The following is an entry in ClinVar:

NM_001854.4(COL11A1):c.5039T>G (p.Leu1680Arg)

Gene: COL11A1 (collagen type XI alpha 1 chain; minus strand). Cytogenetic location: 1p21.1.
Variant type: single nucleotide variant.
Coding change: c.5039T>G on transcript NM_001854.4 (MANE Select); coding-DNA position 5039, T replaced by G.
Protein change: p.Leu1680Arg; replaces leucine 1680 with arginine.
Molecular consequence: missense variant. On other transcripts: non-coding transcript variant (1).
Genome position (GRCh38, 1-based): chr1:102,881,698, A>C on the plus strand (T>G on the coding strand, the complement: COL11A1 is on the minus strand). VCF-style: chr1-102881698-A-C. GRCh37 (hg19) VCF-style: chr1-103347254-A-C.
Other names: c.4922T>G, p.Leu1641Arg (NM_001190709.2); c.5075T>G, p.Leu1692Arg (NM_080629.3); c.4691T>G, p.Leu1564Arg (NM_080630.4); short protein forms L1641R, L1680R, L1564R, L1692R.
Identifiers: ClinVar variation 1521422 (VCV001521422.6), dbSNP rs2101017664, ClinGen allele CA341211253.

ClinVar aggregate classification (germline): Uncertain significance (1 of 4 stars; one submission).

Submission:

Labcorp Genetics (formerly Invitae), Labcorp
Classification: Uncertain significance. Last evaluated: 2025-02-03. Review status: criteria provided, single submitter. Criteria: Invitae Variant Classification Sherloc (09022015). Collection method: clinical testing. Allele origin: germline.
Comment: This sequence change replaces leucine, which is neutral and non-polar, with arginine, which is basic and polar, at codon 1680 of the COL11A1 protein (p.Leu1680Arg). This variant is not present in population databases (gnomAD no frequency). This variant has not been reported in the literature in individuals affected with COL11A1-related conditions. ClinVar contains an entry for this variant (Variation ID: 1521422). Experimental studies and prediction algorithms are not available or were not evaluated, and the functional significance of this variant is currently unknown. In summary, the available evidence is currently insufficient to determine the role of this variant in disease. Therefore, it has been classified as a Variant of Uncertain Significance.